The following is an entry in ClinVar:

ClinVar aggregate classification (germline): Uncertain significance (1 of 4 stars; one submission).

Conditions:
Chédiak-Higashi syndrome (CHS). Also called: Chediak-Higashi Syndrome. Identifiers: Orphanet 167, MedGen C0007965, MONDO:0008963, OMIM 214500.

Allele frequency attached by ClinVar (database versions not stated): gnomAD exomes below 0.00001; ExAC 0.00001; gnomAD 0.00001.
gnomAD v4.1: 9 of 1,613,208 alleles (0.00056%); highest among the groups gnomAD compares: Admixed American, 0.0017%; no homozygotes.

Submission:

Labcorp Genetics (formerly Invitae), Labcorp
Classification: Uncertain significance for Chédiak-Higashi syndrome. Last evaluated: 2021-08-28. Review status: criteria provided, single submitter. Criteria: Invitae Variant Classification Sherloc (09022015). Collection method: clinical testing. Allele origin: germline.
Comment: This sequence change replaces arginine with glutamine at codon 2387 of the LYST protein (p.Arg2387Gln). The arginine residue is weakly conserved and there is a small physicochemical difference between arginine and glutamine. This variant is present in population databases (rs750886970, ExAC 0.001%). This variant has not been reported in the literature in individuals affected with LYST-related conditions. Algorithms developed to predict the effect of missense changes on protein structure and function output the following: SIFT: "Tolerated"; PolyPhen-2: "Benign"; Align-GVGD: "Class C0". The glutamine amino acid residue is found in multiple mammalian species, which suggests that this missense change does not adversely affect protein function. In summary, the available evidence is currently insufficient to determine the role of this variant in disease. Therefore, it has been classified as a Variant of Uncertain Significance.

NM_000081.4(LYST):c.7160G>A (p.Arg2387Gln)

Gene: LYST (lysosomal trafficking regulator; minus strand). Cytogenetic location: 1q42.3.
Variant type: single nucleotide variant.
Coding change: c.7160G>A on transcript NM_000081.4 (MANE Select); coding-DNA position 7160, G replaced by A.
Protein change: p.Arg2387Gln; replaces arginine 2387 with glutamine.
Molecular consequence: missense variant.
Genome position (GRCh38, 1-based): chr1:235,755,547, C>T on the plus strand (G>A on the coding strand, the complement: LYST is on the minus strand). VCF-style: chr1-235755547-C-T. GRCh37 (hg19) VCF-style: chr1-235918847-C-T.
Other names: c.7160G>A, p.Arg2387Gln (NM_001301365.1); short protein forms R2387Q.
Identifiers: ClinVar variation 850467 (VCV000850467.4), dbSNP rs750886970, ClinGen allele CA1466214.
Genomic context (GRCh38, chr1:235,755,547, plus strand): 5'-AGGCCAATATGTCGACCAAAGAACATTTCGATGAAGCATTCTAACAATTCTTGAGTTCCT[C>T]GATGAAGATACAACTGGTTGGCTAGCAAGGAAAATCCACGATTCTTCAGAAATTTATCTT-3'
Protein context (NP_000072.2, residues 2377-2397): SLLANQLYLH[Arg2387Gln]GTQELLECFI